The following is an entry in ClinVar:

NM_000322.5(PRPH2):c.664T>C (p.Cys222Arg)

Gene: PRPH2 (peripherin 2; minus strand). Cytogenetic location: 6p21.1.
Variant type: single nucleotide variant.
Coding change: c.664T>C on transcript NM_000322.5 (MANE Select); coding-DNA position 664, T replaced by C.
Protein change: p.Cys222Arg; replaces cysteine 222 with arginine.
Molecular consequence: missense variant.
Genome position (GRCh38, 1-based): chr6:42,704,529, A>G on the plus strand (T>C on the coding strand, the complement: PRPH2 is on the minus strand). VCF-style: chr6-42704529-A-G. GRCh37 (hg19) VCF-style: chr6-42672267-A-G.
Other names: short protein forms C222R.
Identifiers: ClinVar variation 437967 (VCV000437967.10), dbSNP rs1554269053, ClinGen allele CA364135451.
Genomic context (GRCh38, chr6:42,704,529, plus strand): 5'-CCTCCGTCTGGTGGTCGTAACTGTAGTGTGCTGAGTTGTTGGTGATCTGATACTGGATGC[A>G]GGGCCGTGGCGAGCTAGGATTGCAGCAGCTGAAAGGGACGCCGTCCACCAGGTACCGCCC-3'
Protein context (NP_000313.2, residues 212-232): SCCNPSSPRP[Cys222Arg]IQYQITNNSA

ClinVar aggregate classification (germline): Pathogenic/Likely pathogenic. Review status: criteria provided, multiple submitters, no conflicts (2 of 4 stars). 5 submissions from 5 submitters: Pathogenic (2); Likely pathogenic (1). 2 of the submissions do not count toward it. Last evaluated 2026-02-19.

Conditions:
Retinal dystrophy. Also called: Inherited retinal dystrophy. Identifiers: Orphanet 71862, MedGen C0854723, MeSH D058499, MONDO:0019118, HP:0000556.
Retinitis pigmentosa (RP). Identifiers: Orphanet 791, MedGen C0035334, MeSH D012174, MONDO:0019200, OMIM 268000. Inheritance: Autosomal dominant, autosomal recessive and X linked inheritance.
PRPH2-related disorder. Also called: PRPH2-related disorders; PRPH2-related condition. Identifiers: MedGen CN239395.

Submissions (5):

GeneDx
Classification: Likely pathogenic. Last evaluated: 2026-02-19. Review status: criteria provided, single submitter. Criteria: GeneDx Variant Classification Process June 2021. Collection method: clinical testing. Allele origin: germline.
Comment: Not observed at significant frequency in large population cohorts (gnomAD); In silico analysis supports that this missense variant has a deleterious effect on protein structure/function; This variant is associated with the following publications: (PMID: 31456290, 28041643, 37734845, 38219857, 34411390)

Labcorp Genetics (formerly Invitae), Labcorp
Classification: Pathogenic for PRPH2-related disorder. Last evaluated: 2025-10-14. Review status: criteria provided, single submitter. Criteria: Invitae Variant Classification Sherloc (09022015). Collection method: clinical testing. Allele origin: germline.
Comment: This sequence change replaces cysteine, which is neutral and slightly polar, with arginine, which is basic and polar, at codon 222 of the PRPH2 protein (p.Cys222Arg). This variant is not present in population databases (gnomAD no frequency). This missense change has been observed in individuals with autosomal dominant PRPH2-related conditions (PMID: 28041643, 31456290). ClinVar contains an entry for this variant (Variation ID: 437967). Invitae Evidence Modeling of protein sequence and biophysical properties (such as structural, functional, and spatial information, amino acid conservation, physicochemical variation, residue mobility, and thermodynamic stability) indicates that this missense variant is expected to disrupt PRPH2 protein function with a positive predictive value of 95%. This variant disrupts the p.Cys222 amino acid residue in PRPH2. Other variant(s) that disrupt this residue have been determined to be pathogenic (PMID: 28559085; internal data). This suggests that this residue is clinically significant, and that variants that disrupt this residue are likely to be disease-causing. For these reasons, this variant has been classified as Pathogenic.

Institute of Human Genetics, Univ. Regensburg, Univ. Regensburg
Classification: Pathogenic for Retinal dystrophy. Last evaluated: 2020-01-01. Review status: criteria provided, single submitter. Criteria: ACMG Guidelines, 2015. Collection method: clinical testing. Allele origin: germline. Affected: yes.

Sharon lab, Hadassah-Hebrew University Medical Center
Classification: Likely pathogenic for Retinitis pigmentosa. Last evaluated: 2019-06-23. Review status: no assertion criteria provided. Collection method: research. Allele origin: inherited. Affected: yes. Not counted in ClinVar's aggregate classification.

NIHR Bioresource Rare Diseases, University of Cambridge
Classification: Likely pathogenic for Retinal dystrophy. Last evaluated: 2015-01-01. Review status: no assertion criteria provided. Collection method: research. Allele origin: unknown. Affected: yes. Observed: 1 variant allele. Not counted in ClinVar's aggregate classification.

Literature cited by the submitters: PubMed 28041643 (cited by 3 submitters); PubMed 31456290 (cited by Labcorp Genetics (formerly Invitae), Labcorp and Institute of Human Genetics, Univ. Regensburg, Univ. Regensburg); PubMed 28559085 (cited by Labcorp Genetics (formerly Invitae), Labcorp); PubMed 34411390 (cited by Institute of Human Genetics, Univ. Regensburg, Univ. Regensburg).